The following is an entry in ClinVar:

ClinVar aggregate classification (germline): Uncertain significance (1 of 4 stars; one submission).

Submission:

Labcorp Genetics (formerly Invitae), Labcorp
Classification: Uncertain significance. Last evaluated: 2022-03-14. Review status: criteria provided, single submitter. Criteria: Invitae Variant Classification Sherloc (09022015). Collection method: clinical testing. Allele origin: germline.
Comment: This variant is not present in population databases (gnomAD no frequency). This sequence change replaces glycine, which is neutral and non-polar, with valine, which is neutral and non-polar, at codon 134 of the SPARC protein (p.Gly134Val). This variant has not been reported in the literature in individuals affected with SPARC-related conditions. Algorithms developed to predict the effect of missense changes on protein structure and function are either unavailable or do not agree on the potential impact of this missense change (SIFT: "Tolerated"; PolyPhen-2: "Probably Damaging"; Align-GVGD: "Class C0"). In summary, the available evidence is currently insufficient to determine the role of this variant in disease. Therefore, it has been classified as a Variant of Uncertain Significance.

NM_003118.4(SPARC):c.401G>T (p.Gly134Val)

Gene: SPARC (secreted protein acidic and cysteine rich; minus strand). Cytogenetic location: 5q33.1.
Variant type: single nucleotide variant.
Coding change: c.401G>T on transcript NM_003118.4 (MANE Select); coding-DNA position 401, G replaced by T.
Protein change: p.Gly134Val; replaces glycine 134 with valine.
Molecular consequence: missense variant.
Genome position (GRCh38, 1-based): chr5:151,669,714, C>A on the plus strand (G>T on the coding strand, the complement: SPARC is on the minus strand). VCF-style: chr5-151669714-C-A. GRCh37 (hg19) VCF-style: chr5-151049275-C-A.
Other names: c.398G>T, p.Gly133Val (NM_001309443.2); c.401G>T, p.Gly134Val (NM_001309444.2); short protein forms G134V, G133V.
Identifiers: ClinVar variation 2112003 (VCV002112003.3), dbSNP rs201148154, ClinGen allele CA129962686.